The following is an entry in ClinVar:

ClinVar aggregate classification (germline): Pathogenic (1 of 4 stars; one submission).

Conditions:
Ataxia-telangiectasia syndrome (AT). Also called: LOUIS-BAR SYNDROME; ATAXIA-TELANGIECTASIA, COMPLEMENTATION GROUP A; Ataxia-telangiectasia, complementation group D; AT, COMPLEMENTATION GROUP C; Ataxia-telangiectasia, complementation group E; Ataxia-telangiectasia. Identifiers: Orphanet 100, MedGen C0004135, MONDO:0008840, OMIM 208900.

Submission:

Broad Center for Mendelian Genomics, Broad Institute of MIT and Harvard
Classification: Pathogenic for Ataxia-telangiectasia syndrome. Last evaluated: 2023-08-24. Review status: criteria provided, single submitter. Criteria: ACMG/ClinGen CNV Guidelines, 2019. Collection method: research. Allele origin: unknown. Inheritance: Autosomal recessive inheritance. Affected: yes.
Comment: A homozygous deletion of exons 61-62 in ATM (NM_000051.4) was identified by exome sequencing and confirmed by genome sequencing in two siblings with ataxia-telangiectasia ([GRCh 38] chr11:108358364_108376364x0). Inheritance information is unavailable. The patient phenotypes are nonspecific, but are consistent with cases described in the literature and/or published databases with overlapping variants. This exon deletion has also been reported in the literature, in the compound heterozygous state, in at least one individual with ataxia-telangiectasia (PMID: 25614872; Variation ID: 127414). There is overlap with the 3’ end of the ATM gene including coding sequence. This alteration is then predicted to lead to a truncated or absent protein. Loss of function of ATM is an established disease mechanism in autosomal recessive ataxia-telangiectasia. A deletion of the same exons has been identified in 0.03211% (3/9344) of African/African American chromosomes by the Genome Aggregation Database (gnomAD; Structural variant: DEL_11_123119). Although a deletion overlapping the region of this CNV has been seen in the general population in a heterozygous state, its frequency is not high enough to rule out a pathogenic role. In summary, this variant meets criteria to be classified as pathogenic for autosomal recessive ataxia-telangiectasia. The ACMG/ClinGen evidence codes and points used in this curation are as follows: 1: 0 points, 2: 0.9 points, 3A: 0 points, 4-5: 0.30 points; Total: 1.20 points; Riggs 2020 (PMID: 31690835).

Literature cited by the submitters: PubMed 25614872.

GRCh38/hg38 11q22.3(chr11:108358364-108376364)x0

Genes: ATM (ATM serine/threonine kinase; plus strand), C11orf65 (chromosome 11 open reading frame 65; minus strand). Cytogenetic location: 11q22.3.
Variant type: copy number loss.
Change: copy number 0 (both copies lost) of chr11:108,358,364-108,376,364 (18.0 kb, GRCh38 coordinates, 1-based), cytogenetic band 11q22.3.
Identifiers: ClinVar variation 2579258 (VCV002579258.1).